The following is an entry in ClinVar:

ClinVar aggregate classification (germline): Uncertain significance. Review status: criteria provided, multiple submitters, no conflicts (2 of 4 stars). 11 submissions from 11 submitters: Uncertain significance (10). 1 of the submissions does not count toward it. Last evaluated 2025-11-09.

Conditions:
Hereditary nonpolyposis colorectal neoplasms. Identifiers: MedGen C0009405, MeSH D003123.
PMS2-related disorder. Also called: PMS2-related condition.
Hereditary cancer-predisposing syndrome. Also called: Neoplastic Syndromes, Hereditary; Tumor predisposition; Hereditary Cancer Syndrome; Hereditary neoplastic syndrome. Identifiers: Orphanet 140162, MedGen C0027672, MeSH D009386, MONDO:0015356.
Lynch syndrome 4 (LYNCH4). Also called: Colorectal cancer, hereditary nonpolyposis, type 4; Hereditary non-polyposis colorectal cancer, type 4. Identifiers: Orphanet 144, MedGen C1838333, MONDO:0013699, OMIM 614337. Disease mechanism: loss of function.

Allele frequency attached by ClinVar (database versions not stated): gnomAD 0.00001; gnomAD exomes 0.00001; TOPMed 0.00001.
gnomAD v4.1: 10 of 1,590,374 alleles (0.00063%); highest among the groups gnomAD compares: Middle Eastern, 0.019%; no homozygotes.

Submissions (11):

Labcorp Genetics (formerly Invitae), Labcorp
Classification: Uncertain significance for Hereditary nonpolyposis colorectal neoplasms. Last evaluated: 2025-11-09. Review status: criteria provided, single submitter. Criteria: Invitae Variant Classification Sherloc (09022015). Collection method: clinical testing. Allele origin: germline.
Comment: This sequence change replaces isoleucine, which is neutral and non-polar, with valine, which is neutral and non-polar, at codon 688 of the PMS2 protein (p.Ile688Val). The frequency data for this variant in the population databases (gnomAD) is considered unreliable due to the presence of homologous sequence, such as pseudogenes or paralogs, in the genome. This variant has not been reported in the literature in individuals affected with PMS2-related conditions. ClinVar contains an entry for this variant (Variation ID: 411074). Invitae Evidence Modeling incorporating data from in vitro experimental studies (internal data) indicates that this missense variant is not expected to disrupt PMS2 function with a negative predictive value of 95%. In summary, the available evidence is currently insufficient to determine the role of this variant in disease. Therefore, it has been classified as a Variant of Uncertain Significance.

Color Diagnostics, LLC DBA Color Health
Classification: Uncertain significance for Hereditary cancer-predisposing syndrome. Last evaluated: 2025-10-07. Review status: criteria provided, single submitter. Criteria: ACMG Guidelines, 2015. Collection method: clinical testing. Allele origin: germline.
Comment: This missense variant replaces isoleucine with valine at codon 688 of the PMS2 protein. Computational prediction suggests that this variant may not impact protein structure and function. To our knowledge, functional studies have not been reported for this variant. This variant has not been reported in individuals affected with PMS2-related disorders in the literature. This variant has been identified in 10/1590374 chromosomes in the general population by the Genome Aggregation Database (gnomAD). The available evidence is insufficient to determine the role of this variant in disease conclusively. Therefore, this variant is classified as a Variant of Uncertain Significance.

Ambry Genetics
Classification: Uncertain significance for Hereditary cancer-predisposing syndrome. Last evaluated: 2024-07-18. Review status: criteria provided, single submitter. Criteria: Ambry Variant Classification Scheme 2023. Collection method: clinical testing. Allele origin: germline.
Comment: The p.I688V variant (also known as c.2062A>G), located in coding exon 12 of the PMS2 gene, results from an A to G substitution at nucleotide position 2062. The isoleucine at codon 688 is replaced by valine, an amino acid with highly similar properties. This amino acid position is not well conserved in available vertebrate species. In addition, this alteration is predicted to be tolerated by in silico analysis. Based on the available evidence, the clinical significance of this variant remains unclear.

Blueprint Genetics
Classification: Uncertain significance. Last evaluated: 2024-05-30. Review status: criteria provided, single submitter. Criteria: ACMG Guidelines, 2015. Collection method: clinical testing. Allele origin: germline.

PreventionGenetics, part of Exact Sciences
Classification: Uncertain significance for PMS2-related condition. Last evaluated: 2023-09-08. Review status: criteria provided, single submitter. Criteria: ACMG Guidelines, 2015. Collection method: clinical testing. Allele origin: germline.
Comment: The PMS2 c.2062A>G variant is predicted to result in the amino acid substitution p.Ile688Val. To our knowledge, this variant has not been reported in the literature. This variant is reported in 0.0028% of alleles in individuals of European (Non-Finnish) descent in gnomAD. It is interpreted as uncertain significance in ClinVar. At this time, the clinical significance of this variant is uncertain due to the absence of conclusive functional and genetic evidence.

GeneDx
Classification: Uncertain significance. Last evaluated: 2023-05-22. Review status: criteria provided, single submitter. Criteria: GeneDx Variant Classification Process June 2021. Collection method: clinical testing. Allele origin: germline. Affected: yes.
Comment: Not observed at significant frequency in large population cohorts (gnomAD); In silico analysis supports that this missense variant does not alter protein structure/function; Has not been previously published as pathogenic or benign to our knowledge

Myriad Genetics, Inc.
Classification: Uncertain significance for Lynch syndrome 4. Last evaluated: 2023-04-03. Review status: criteria provided, single submitter. Criteria: Myriad Autosomal Dominant, Autosomal Recessive and X-Linked Classification Criteria (2023). Collection method: clinical testing. Allele origin: unknown.
Comment: This variant is classified as a variant of uncertain significance as there is insufficient evidence to determine its impact on protein function and/or cancer risk.

Sema4
Classification: Uncertain significance for Hereditary cancer-predisposing syndrome. Last evaluated: 2022-03-18. Review status: criteria provided, single submitter. Criteria: Sema4 Curation Guidelines. Collection method: curation. Allele origin: germline.
Comment: The PMS2 c.2062A>G (p.I688V) variant has not been reported in the literature to our knowledge. This variant was observed in 3/107976 chromosomes in the Non-Finnish European population according to the Genome Aggregation Database (PMID: 32461654), and has been reported in ClinVar (Variation ID: 411074). Functional studies have not been performed, and in silico predictions of the variant's effect on protein function are inconclusive. The evidence is insufficient to meet ACMG/AMP criteria for classifying the variant as benign or pathogenic. Thus, the clinical significance of this variant is currently uncertain.

Quest Diagnostics Nichols Institute San Juan Capistrano
Classification: Uncertain significance. Last evaluated: 2021-02-02. Review status: criteria provided, single submitter. Criteria: Quest Diagnostics criteria. Collection method: clinical testing. Allele origin: unknown.

Mendelics
Classification: Uncertain significance for Lynch syndrome 4. Last evaluated: 2019-05-28. Review status: criteria provided, single submitter. Criteria: Mendelics Assertion Criteria 2017. Collection method: clinical testing. Allele origin: unknown.

Counsyl
Classification: Uncertain significance for Lynch syndrome 4. Last evaluated: 2017-07-07. Review status: no assertion criteria provided. Collection method: clinical testing. Allele origin: unknown. Not counted in ClinVar's aggregate classification.

NM_000535.7(PMS2):c.2062A>G (p.Ile688Val)

Gene: PMS2 (PMS1 homolog 2, mismatch repair system component; minus strand). Cytogenetic location: 7p22.1.
Variant type: single nucleotide variant.
Coding change: c.2062A>G on transcript NM_000535.7 (MANE Select); coding-DNA position 2062, A replaced by G.
Protein change: p.Ile688Val; replaces isoleucine 688 with valine.
Molecular consequence: missense variant. On other transcripts: non-coding transcript variant (1).
Genome position (GRCh38, 1-based): chr7:5,982,936, T>C on the plus strand (A>G on the coding strand, the complement: PMS2 is on the minus strand). VCF-style: chr7-5982936-T-C. GRCh37 (hg19) VCF-style: chr7-6022567-T-C.
Other names: c.1657A>G, p.Ile553Val (NM_001322003.2, NM_001322004.2, NM_001322005.2 and 1 more transcripts); c.1906A>G, p.Ile636Val (NM_001322006.2); c.1744A>G, p.Ile582Val (NM_001322007.2, NM_001322008.2); c.1501A>G, p.Ile501Val (NM_001322010.2); c.1129A>G, p.Ile377Val (NM_001322011.2, NM_001322012.2); c.1489A>G, p.Ile497Val (NM_001322013.2); c.2062A>G, p.Ile688Val (NM_001322014.2); c.1753A>G, p.Ile585Val (NM_001322015.2); short protein forms I688V, I553V, I377V, I497V, I582V, I636V, I501V, I585V.
Identifiers: ClinVar variation 411074 (VCV000411074.27), dbSNP rs1060503144, ClinGen allele CA16612388.